The following is an entry in ClinVar:

NM_001135649.3(FOXI3):c.1163C>T (p.Ala388Val)

Gene: FOXI3 (forkhead box I3; minus strand). Cytogenetic location: 2p11.2.
Variant type: single nucleotide variant.
Coding change: c.1163C>T on transcript NM_001135649.3 (MANE Select); coding-DNA position 1163, C replaced by T.
Protein change: p.Ala388Val; replaces alanine 388 with valine.
Molecular consequence: missense variant.
Genome position (GRCh38, 1-based): chr2:88,448,307, G>A on the plus strand (C>T on the coding strand, the complement: FOXI3 is on the minus strand). VCF-style: chr2-88448307-G-A. GRCh37 (hg19) VCF-style: chr2-88747826-G-A.
Other names: short protein forms A388V.
Identifiers: ClinVar variation 2776950 (VCV002776950.3), dbSNP rs1675977778, ClinGen allele CA347764212.

ClinVar aggregate classification (germline): Uncertain significance (1 of 4 stars; one submission).

Allele frequency attached by ClinVar (database versions not stated): gnomAD 0.00001.

Submission:

Labcorp Genetics (formerly Invitae), Labcorp
Classification: Uncertain significance. Last evaluated: 2023-10-27. Review status: criteria provided, single submitter. Criteria: Invitae Variant Classification Sherloc (09022015). Collection method: clinical testing. Allele origin: germline.
Comment: This sequence change replaces alanine, which is neutral and non-polar, with valine, which is neutral and non-polar, at codon 388 of the FOXI3 protein (p.Ala388Val). This variant is not present in population databases (gnomAD no frequency). This variant has not been reported in the literature in individuals affected with FOXI3-related conditions. Experimental studies and prediction algorithms are not available or were not evaluated, and the functional significance of this variant is currently unknown. In summary, the available evidence is currently insufficient to determine the role of this variant in disease. Therefore, it has been classified as a Variant of Uncertain Significance.